The following is an entry in ClinVar:

ClinVar aggregate classification (germline): Pathogenic (1 of 4 stars; one submission).

Conditions:
Hereditary cancer-predisposing syndrome. Also called: Tumor predisposition; Hereditary Cancer Syndrome; Hereditary neoplastic syndrome; Neoplastic Syndromes, Hereditary. Identifiers: Orphanet 140162, MedGen C0027672, MeSH D009386, MONDO:0015356.

Submission:

Ambry Genetics
Classification: Pathogenic for Hereditary cancer-predisposing syndrome. Last evaluated: 2023-09-15. Review status: criteria provided, single submitter. Criteria: Ambry Variant Classification Scheme 2023. Collection method: clinical testing. Allele origin: germline.
Comment: The p.Q681* pathogenic mutation (also known as c.2041C>T), located in coding exon 11 of the RET gene, results from a C to T substitution at nucleotide position 2041. This changes the amino acid from a glutamine to a stop codon within coding exon 11. This alteration is expected to result in loss of function by premature protein truncation or nonsense-mediated mRNA decay. Loss-of-function variants in RET are known to cause Hirschsprung disease; however, such associations with Multiple Endocrine Neoplasia Type 2 (MEN2) have not been observed (Amiel J and Lyonnet S. J Med Genet. 2001 Nov;38(11):729-39; Wagner S et al. Clinics (Sao Paulo). 2012;67 Suppl 1(Suppl 1):77-84). Based on the supporting evidence, this alteration is pathogenic for Hirschsprung disease; however, the association of this alteration with MEN2 is unlikely.

NM_020975.6(RET):c.2041C>T (p.Gln681Ter)

Gene: RET (ret proto-oncogene; plus strand). Cytogenetic location: 10q11.21.
Variant type: single nucleotide variant.
Coding change: c.2041C>T on transcript NM_020975.6 (MANE Select); coding-DNA position 2041, C replaced by T.
Protein change: p.Gln681Ter; replaces glutamine 681 with a stop codon.
Molecular consequence: nonsense.
Genome position (GRCh38, 1-based): chr10:43,114,641, C>T. VCF-style: chr10-43114641-C-T. GRCh37 (hg19) VCF-style: chr10-43610089-C-T.
Other names: c.2041C>T, p.Gln681Ter (NM_000323.2, NM_001406743.1, NM_001406744.1 and 4 more transcripts); c.1279C>T, p.Gln427Ter (NM_001355216.2); c.1912C>T, p.Gln638Ter (NM_001406761.1, NM_001406762.1, NM_001406764.1); c.1906C>T, p.Gln636Ter (NM_001406763.1, NM_001406765.1); c.1753C>T, p.Gln585Ter (NM_001406766.1, NM_001406767.1, NM_001406770.1); c.1777C>T, p.Gln593Ter (NM_001406768.1); c.1645C>T, p.Gln549Ter (NM_001406769.1, NM_001406772.1); c.1603C>T, p.Gln535Ter (NM_001406771.1, NM_001406773.1); and 10 more; short protein forms Q351*, Q382*, Q427*, Q439*, Q535*, Q506*, Q549*, Q585*.
Identifiers: ClinVar variation 2587893 (VCV002587893.2), dbSNP rs567241943, ClinGen allele CA376553191.
Genomic context (GRCh38, chr10:43,114,641, plus strand): 5'-CACAAGTTTGCCCACAAGCCACCCATCTCCTCAGCTGAGATGACCTTCCGGAGGCCCGCC[C>T]AGGCCTTCCCGGTCAGCTACTCCTCTTCCGGTGCCCGCCGGCCCTCGCTGGACTCCATGG-3'